The following is an entry in ClinVar:

NM_001079802.2(FKTN):c.648-1278A>C

Gene: FKTN (fukutin; plus strand). Cytogenetic location: 9q31.2.
Variant type: single nucleotide variant.
Coding change: c.648-1278A>C on transcript NM_001079802.2 (MANE Select); 1278 bases into the intron before coding-DNA position 648, A replaced by C.
Molecular consequence: intron variant.
Genome position (GRCh38, 1-based): chr9:105,606,541, A>C. VCF-style: chr9-105606541-A-C. GRCh37 (hg19) VCF-style: chr9-108368822-A-C.
Other names: c.648-1278A>C (NM_006731.2, NM_001351496.2, NM_001198963.2 and 1 more transcripts); c.252-1278A>C (NM_001351502.2, NM_001351499.2, NM_001351500.2 and 1 more transcripts); c.579-1278A>C (NM_001351497.2).
Identifiers: ClinVar variation 678741 (VCV000678741.2), dbSNP rs181901044, ClinGen allele CA197439917.

ClinVar aggregate classification (germline): Likely benign. Review status: criteria provided, single submitter (1 of 4 stars). 2 submissions from 2 submitters: Likely benign (1). 1 of the submissions does not count toward it. Last evaluated 2018-06-16.

Conditions:
Walker-Warburg congenital muscular dystrophy. Also called: Muscular dystrophy-dystroglycanopathy, type A; Walker-Warburg syndrome. Identifiers: Orphanet 899, MedGen C0265221, MONDO:0000171.

Allele frequency attached by ClinVar (database versions not stated): 1000 Genomes Project 0.00100; 1000 Genomes Project 30x 0.00312; gnomAD 0.00387 and 0.00425; TOPMed 0.00460.
gnomAD v4.1: 584 of 151,894 alleles (0.38%); highest among the groups gnomAD compares: African/African-American, 1.3%; 4 homozygotes.

Submissions (2):

GeneDx
Classification: Likely benign. Last evaluated: 2018-06-16. Review status: criteria provided, single submitter. Criteria: GeneDx Variant Classification (06012015). Collection method: clinical testing. Allele origin: germline. Affected: yes.
Comment: This variant is considered likely benign or benign based on one or more of the following criteria: it is a conservative change, it occurs at a poorly conserved position in the protein, it is predicted to be benign by multiple in silico algorithms, and/or has population frequency not consistent with disease.

Natera, Inc.
Classification: Benign for Walker-Warburg congenital muscular dystrophy. Last evaluated: 2019-10-21. Review status: no assertion criteria provided. Collection method: clinical testing. Allele origin: germline. Not counted in ClinVar's aggregate classification.